The following is an entry in ClinVar:

NM_000246.4(CIITA):c.2294C>G (p.Pro765Arg)

Gene: CIITA (class II major histocompatibility complex transactivator; plus strand). Cytogenetic location: 16p13.13.
Variant type: single nucleotide variant.
Coding change: c.2294C>G on transcript NM_000246.4 (MANE Select); coding-DNA position 2294, C replaced by G.
Protein change: p.Pro765Arg; replaces proline 765 with arginine.
Molecular consequence: missense variant. On other transcripts: intron variant (1).
Genome position (GRCh38, 1-based): chr16:10,907,786, C>G. VCF-style: chr16-10907786-C-G. GRCh37 (hg19) VCF-style: chr16-11001643-C-G.
Other names: c.2297C>G, p.Pro766Arg (NM_001286402.1, NM_001379332.1); c.2150C>G, p.Pro717Arg (NM_001379330.1); c.2147C>G, p.Pro716Arg (NM_001379331.1); c.2294C>G, p.Pro765Arg (NM_001379333.1); c.2225C>G, p.Pro742Arg (NM_001379334.1); c.860-1197C>G (NM_001286403.2); short protein forms P742R, P717R, P765R, P716R, P766R.
Identifiers: ClinVar variation 1417631 (VCV001417631.3), dbSNP rs892019941, ClinGen allele CA277747660.
Genomic context (GRCh38, chr16:10,907,786, plus strand): 5'-GGCCCTATGACAACTGGCTGGAGGGCGTGCCACGCTTTCTGGCTGGGCTGATCTTCCAGC[C>G]TCCCGCCCGCTGCCTGGGAGCCCTACTCGGGCCATCGGCGGCTGCCTCGGTGGACAGGAA-3'
Protein context (NP_000237.2, residues 755-775): PRFLAGLIFQ[Pro765Arg]PARCLGALLG

ClinVar aggregate classification (germline): Uncertain significance (1 of 4 stars; one submission).

Conditions:
MHC class II deficiency. Also called: BLS, TYPE II; Bare lymphocyte syndrome 2. Identifiers: Orphanet 572, MedGen C5447452, MONDO:0008855.

Allele frequency attached by ClinVar (database versions not stated): TOPMed below 0.00001; gnomAD 0.00001.
gnomAD v4.1: 1 of 1,614,074 alleles (0.000062%); highest among the groups gnomAD compares: Non-Finnish European, 0.000085%; no homozygotes.

Submission:

Labcorp Genetics (formerly Invitae), Labcorp
Classification: Uncertain significance for MHC class II deficiency. Last evaluated: 2021-10-21. Review status: criteria provided, single submitter. Criteria: Invitae Variant Classification Sherloc (09022015). Collection method: clinical testing. Allele origin: germline.
Comment: This sequence change replaces proline with arginine at codon 765 of the CIITA protein (p.Pro765Arg). The proline residue is moderately conserved and there is a moderate physicochemical difference between proline and arginine. This variant is not present in population databases (ExAC no frequency). This variant has not been reported in the literature in individuals with CIITA-related conditions. Algorithms developed to predict the effect of missense changes on protein structure and function are either unavailable or do not agree on the potential impact of this missense change (SIFT: "Tolerated"; PolyPhen-2: "Possibly Damaging"; Align-GVGD: "Class C0"). In summary, the available evidence is currently insufficient to determine the role of this variant in disease. Therefore, it has been classified as a Variant of Uncertain Significance.